The following is an entry in ClinVar:

NM_001376.5(DYNC1H1):c.13203C>T (p.Thr4401=)

Gene: DYNC1H1 (dynein cytoplasmic 1 heavy chain 1; plus strand). Cytogenetic location: 14q32.31.
Variant type: single nucleotide variant.
Coding change: c.13203C>T on transcript NM_001376.5 (MANE Select); coding-DNA position 13203, C replaced by T.
Protein change: p.Thr4401=; no amino-acid change (threonine 4401 retained).
Molecular consequence: synonymous variant.
Genome position (GRCh38, 1-based): chr14:102,048,013, C>T. VCF-style: chr14-102048013-C-T. GRCh37 (hg19) VCF-style: chr14-102514350-C-T.
Identifiers: ClinVar variation 312662 (VCV000312662.44), dbSNP rs138022242, ClinGen allele CA7354165.

ClinVar aggregate classification (germline): Benign/Likely benign. Review status: criteria provided, multiple submitters, no conflicts (2 of 4 stars). 8 submissions from 7 submitters: Benign (1); Likely benign (7). Last evaluated 2026-03-02.

Conditions:
DYNC1H1-related disorder. Also called: DYNC1H1-related condition; DYNC1H1-related disorders. Identifiers: MedGen CN381529.
Charcot-Marie-Tooth disease axonal type 2O. Also called: Charcot-Marie-Tooth Neuropathy Type 2O; Charcot-Marie-Tooth disease, axonal, type 20; CHARCOT-MARIE-TOOTH NEUROPATHY, AXONAL, TYPE 2O; CHARCOT-MARIE-TOOTH DISEASE, AXONAL, AUTOSOMAL DOMINANT, TYPE 2O. Identifiers: Orphanet 284232, MedGen C3280220, MONDO:0013644, OMIM 614228.
Autosomal dominant cerebellar ataxia. Also called: Spinocerebellar Ataxia, Dominant. Identifiers: Orphanet 99, MedGen C4087347, MONDO:0020380.

Allele frequency attached by ClinVar (database versions not stated): TOPMed 0.00004; ESP Exome Variant Server 0.00023.
gnomAD v4.1: 174 of 1,611,174 alleles (0.011%); highest among the groups gnomAD compares: South Asian, 0.016%; no homozygotes.

Submissions (8):

Women's Health and Genetics/Laboratory Corporation of America, LabCorp
Classification: Benign. Last evaluated: 2026-03-02. Review status: criteria provided, single submitter. Criteria: LabCorp Variant Classification Summary - May 2015. Collection method: clinical testing. Allele origin: germline.

Labcorp Genetics (formerly Invitae), Labcorp
Classification: Likely benign for Charcot-Marie-Tooth disease axonal type 2O. Last evaluated: 2025-12-17. Review status: criteria provided, single submitter. Criteria: Invitae Variant Classification Sherloc (09022015). Collection method: clinical testing. Allele origin: germline.

CeGaT Center for Human Genetics Tuebingen
Classification: Likely benign. Last evaluated: 2025-10-01. Review status: criteria provided, single submitter. Criteria: CeGaT Center For Human Genetics Tuebingen Variant Classification Criteria Version 2. Collection method: clinical testing. Allele origin: germline. Affected: yes. Observed: 2 variant alleles.
Comment: DYNC1H1: BP4, BP7

PreventionGenetics, part of Exact Sciences
Classification: Likely benign for DYNC1H1-related condition. Last evaluated: 2025-04-10. Review status: criteria provided, single submitter. Criteria: ACMG Guidelines, 2015. Collection method: clinical testing. Allele origin: germline.
Comment: This variant is classified as likely benign based on ACMG/AMP sequence variant interpretation guidelines (Richards et al. 2015 PMID: 25741868, with internal and published modifications).

Blueprint Genetics
Classification: Likely benign. Last evaluated: 2023-03-01. Review status: criteria provided, single submitter. Criteria: ACMG Guidelines, 2015. Collection method: clinical testing. Allele origin: germline.

GeneDx
Classification: Likely benign. Last evaluated: 2020-06-05. Review status: criteria provided, single submitter. Criteria: GeneDx Variant Classification Process June 2021. Collection method: clinical testing. Allele origin: germline. Affected: yes.

Illumina Laboratory Services, Illumina
Classification: Likely benign for Charcot-Marie-Tooth disease axonal type 2O. Last evaluated: 2018-01-13. Review status: criteria provided, single submitter. Criteria: ICSL Variant Classification Criteria 13 December 2019. Collection method: clinical testing. Allele origin: germline.
Comment: This variant was observed in the ICSL laboratory as part of a predisposition screen in an ostensibly healthy population. It had not been previously curated by ICSL or reported in the Human Gene Mutation Database (HGMD: prior to June 1st, 2018), and was therefore a candidate for classification through an automated scoring system. Utilizing variant allele frequency, disease prevalence and penetrance estimates, and inheritance mode, an automated score was calculated to assess if this variant is too frequent to cause the disease. Based on the score and internal cut-off values, a variant classified as likely benign is not then subjected to further curation. The score for this variant resulted in a classification of likely benign for this disease.

Illumina Laboratory Services, Illumina
Classification: Likely benign for Spinocerebellar Ataxia, Dominant. Last evaluated: 2018-01-13. Review status: criteria provided, single submitter. Criteria: ICSL Variant Classification Criteria 13 December 2019. Collection method: clinical testing. Allele origin: germline.
Comment: the same text as in the submission from Illumina Laboratory Services, Illumina above.